The following is an entry in ClinVar:

NM_001042545.2(LTBP4):c.4444G>A (p.Val1482Met)

Gene: LTBP4 (latent transforming growth factor beta binding protein 4; plus strand). Cytogenetic location: 19q13.2.
Variant type: single nucleotide variant.
Coding change: c.4444G>A on transcript NM_001042545.2 (MANE Select); coding-DNA position 4444, G replaced by A.
Protein change: p.Val1482Met; replaces valine 1482 with methionine.
Molecular consequence: missense variant.
Genome position (GRCh38, 1-based): chr19:40,627,782, G>A. VCF-style: chr19-40627782-G-A. GRCh37 (hg19) VCF-style: chr19-41133687-G-A.
Other names: c.4645G>A, p.Val1549Met (NM_001042544.1); c.4534G>A, p.Val1512Met (NM_003573.2); short protein forms V1482M, V1512M, V1549M.
Identifiers: ClinVar variation 3774163 (VCV003774163.1).
Genomic context (GRCh38, chr19:40,627,782, plus strand): 5'-TACGAGGAGCTGGAGGCGGAGGAGTGCGGGATCCTGGACGGCTGCACCAACGGCCGCTGC[G>A]TGCGCGTCCCCGAAGGCTTCACCTGCCGTTGCTTCGACGGCTACCGCCTGGACATGACCC-3'
Protein context (NP_001036010.1, residues 1472-1492): ILDGCTNGRC[Val1482Met]RVPEGFTCRC

ClinVar aggregate classification (germline): Uncertain significance (1 of 4 stars; one submission).

Submission:

GeneDx
Classification: Uncertain significance. Last evaluated: 2024-09-20. Review status: criteria provided, single submitter. Criteria: GeneDx Variant Classification Process June 2021. Collection method: clinical testing. Allele origin: germline. Affected: yes.
Comment: Not observed at significant frequency in large population cohorts (gnomAD); In silico analysis supports that this missense variant has a deleterious effect on protein structure/function; Has not been previously published as pathogenic or benign to our knowledge